The following is an entry in ClinVar:

ClinVar aggregate classification (germline): Uncertain significance. Review status: criteria provided, multiple submitters, no conflicts (2 of 4 stars). 4 submissions from 4 submitters: Uncertain significance (4). Last evaluated 2025-06-11.

Conditions:
Malignant hyperthermia, susceptibility to, 5 (MHS5). Also called: CACNA1S-Related Malignant Hyperthermia Susceptibility. Identifiers: Orphanet 423, MedGen C1866077, MONDO:0011163, OMIM 601887.
Thyrotoxic periodic paralysis, susceptibility to, 1 (TTPP1). Identifiers: Orphanet 79102, MedGen C2749982, MONDO:0008570, OMIM 188580.
Congenital myopathy 18. Also called: Myopathy, congenital, due to dihydropyridine receptor defect; DIHYDROPYRIDINE RECEPTOR CONGENITAL MYOPATHY; DHPR CONGENITAL MYOPATHY. Identifiers: MedGen C5830283, MONDO:0859514, OMIM 620246.
Hypokalemic periodic paralysis, type 1. Also called: Hypokalemic Periodic Paralysis Type 1 (AD); HypoPP. Identifiers: Orphanet 681, MedGen C3714580, MONDO:0042979, OMIM 170400.

gnomAD v4.1: 8 of 1,614,076 alleles (0.0005%); highest among the groups gnomAD compares: African/African-American, 0.0053%; no homozygotes.

Submissions (4):

GeneDx
Classification: Uncertain significance. Last evaluated: 2025-06-11. Review status: criteria provided, single submitter. Criteria: GeneDx Variant Classification Process June 2021. Collection method: clinical testing. Allele origin: germline. Affected: yes.
Comment: In silico analysis supports that this missense variant has a deleterious effect on protein structure/function; Has not been previously published as pathogenic or benign to our knowledge

Color Diagnostics, LLC DBA Color Health
Classification: Uncertain significance for Malignant hyperthermia, susceptibility to, 5. Last evaluated: 2024-07-10. Review status: criteria provided, single submitter. Criteria: ACMG Guidelines, 2015. Collection method: clinical testing. Allele origin: germline.
Comment: This missense variant replaces methionine with threonine at codon 291 of the CACNA1S protein. Computational prediction is inconclusive regarding the impact of this variant on protein structure and function. To our knowledge, functional studies have not been reported for this variant. This variant has not been reported in individuals affected with CACNA1S-related disorders in the literature. This variant has been identified in 2/31408 chromosomes in the general population by the Genome Aggregation Database (gnomAD). The available evidence is insufficient to determine the role of this variant in disease conclusively. Therefore, this variant is classified as a Variant of Uncertain Significance.

Fulgent Genetics
Classification: Uncertain significance for Hypokalemic periodic paralysis, type 1; Thyrotoxic periodic paralysis, susceptibility to, 1; Malignant hyperthermia, susceptibility to, 5; Congenital myopathy 18. Last evaluated: 2024-06-10. Review status: criteria provided, single submitter. Criteria: ACMG Guidelines, 2015. Collection method: clinical testing. Allele origin: germline.

Blueprint Genetics
Classification: Uncertain significance. Last evaluated: 2024-04-04. Review status: criteria provided, single submitter. Criteria: ACMG Guidelines, 2015. Collection method: clinical testing. Allele origin: germline.

NM_000069.3(CACNA1S):c.872T>C (p.Met291Thr)

Gene: CACNA1S (calcium voltage-gated channel subunit alpha1 S; minus strand). Cytogenetic location: 1q32.1.
Variant type: single nucleotide variant.
Coding change: c.872T>C on transcript NM_000069.3 (MANE Select); coding-DNA position 872, T replaced by C.
Protein change: p.Met291Thr; replaces methionine 291 with threonine.
Molecular consequence: missense variant.
Genome position (GRCh38, 1-based): chr1:201,089,286, A>G on the plus strand (T>C on the coding strand, the complement: CACNA1S is on the minus strand). VCF-style: chr1-201089286-A-G. GRCh37 (hg19) VCF-style: chr1-201058414-A-G.
Other names: c.872T>C (NM_000069.2); short protein forms M291T.
Identifiers: ClinVar variation 3577721 (VCV003577721.4).